The following is an entry in ClinVar:

ClinVar aggregate classification (germline): Pathogenic (1 of 4 stars; one submission).

Conditions:
Inborn genetic diseases. Identifiers: MedGen C0950123, MeSH D030342.

Submission:

Ambry Genetics
Classification: Pathogenic for Inborn genetic diseases. Last evaluated: 2025-12-30. Review status: criteria provided, single submitter. Criteria: Ambry Variant Classification Scheme 2023. Collection method: clinical testing. Allele origin: germline.
Comment: The c.736delA pathogenic mutation, located in coding exon 3 of the MBD4 gene, results from a deletion of one nucleotide at nucleotide position 736, causing a translational frameshift with a predicted alternate stop codon (p.T246Lfs*57). This variant is considered to be rare based on population cohorts in the Genome Aggregation Database (gnomAD). This alteration is expected to result in loss of function by premature protein truncation or nonsense-mediated mRNA decay. As such, this alteration is interpreted as a disease-causing mutation.

NM_001276270.2(MBD4):c.736del (p.Thr246fs)

Gene: MBD4 (methyl-CpG binding domain 4, DNA glycosylase; minus strand). Cytogenetic location: 3q21.3.
Variant type: Deletion.
Coding change: c.736del on transcript NM_001276270.2 (MANE Select); coding-DNA position 736, one base deleted (A; older notation c.736delA).
Protein change: p.Thr246fs; shifts the reading frame from threonine 246.
Molecular consequence: frameshift variant. On other transcripts: intron variant (1).
Genome position (GRCh38, 1-based): chr3:129,436,908, T deleted on the plus strand (A on the coding strand, the reverse complement: MBD4 is on the minus strand); the first of 4 consecutive T bases (chr3:129,436,908-129,436,911); deleting any one gives the same sequence. VCF-style (leftmost placement, unchanged base first): chr3-129436907-GT-G. GRCh37 (hg19) VCF-style: chr3-129155750-GT-G.
Other names: c.736delA (NM_001276270.2); c.736del, p.Thr246fs (NM_001276271.2, NM_001276272.2, NM_003925.3); c.247+900del (NM_001276273.2); short protein forms T246fs.
Identifiers: ClinVar variation 4844096 (VCV004844096.1).